The following is an entry in ClinVar:

ClinVar aggregate classification (germline): Likely benign. Review status: criteria provided, multiple submitters, no conflicts (2 of 4 stars). 2 submissions from 2 submitters: Likely benign (2). Last evaluated 2024-09-05.

Conditions:
Familial cancer of breast. Also called: hereditary breast carcinoma; BREAST CANCER, FAMILIAL; Hereditary breast cancer. Identifiers: Orphanet 227535, MedGen C0346153, MONDO:0016419, OMIM 114480. Disease mechanism: loss of function.
Fanconi anemia complementation group J. Also called: BRIP1-Related Fanconi Anemia. Identifiers: Orphanet 84, MedGen C1836860, MONDO:0012187, OMIM 609054.

Submissions (2):

Myriad Genetics, Inc.
Classification: Likely benign for Familial cancer of breast. Last evaluated: 2024-09-05. Review status: criteria provided, single submitter. Criteria: Myriad Autosomal Dominant, Autosomal Recessive and X-Linked Classification Criteria (2023). Collection method: clinical testing. Allele origin: unknown.
Comment: This variant is considered likely benign. This variant is intronic and is not expected to impact mRNA splicing.

Labcorp Genetics (formerly Invitae), Labcorp
Classification: Likely benign for Familial cancer of breast; Fanconi anemia complementation group J. Last evaluated: 2022-08-04. Review status: criteria provided, single submitter. Criteria: Invitae Variant Classification Sherloc (09022015). Collection method: clinical testing. Allele origin: germline.

NM_032043.3(BRIP1):c.2576-13C>T

Gene: BRIP1 (BRCA1 interacting DNA helicase 1; minus strand). Cytogenetic location: 17q23.2.
Variant type: single nucleotide variant.
Coding change: c.2576-13C>T on transcript NM_032043.3 (MANE Select); 13 bases into the intron before coding-DNA position 2576, C replaced by T.
Molecular consequence: intron variant.
Genome position (GRCh38, 1-based): chr17:61,686,178, G>A on the plus strand (C>T on the coding strand, the complement: BRIP1 is on the minus strand). VCF-style: chr17-61686178-G-A. GRCh37 (hg19) VCF-style: chr17-59763539-G-A.
Identifiers: ClinVar variation 2193085 (VCV002193085.5), dbSNP rs2144119321, ClinGen allele CA2580094473.